The following is an entry in ClinVar:

NM_080916.3(DGUOK):c.463C>A (p.Leu155Ile)

Gene: DGUOK (deoxyguanosine kinase; plus strand). Cytogenetic location: 2p13.1.
Variant type: single nucleotide variant.
Coding change: c.463C>A on transcript NM_080916.3 (MANE Select); coding-DNA position 463, C replaced by A.
Protein change: p.Leu155Ile; replaces leucine 155 with isoleucine.
Molecular consequence: missense variant. On other transcripts: non-coding transcript variant (1), intron variant (2).
Genome position (GRCh38, 1-based): chr2:73,950,604, C>A. VCF-style: chr2-73950604-C-A. GRCh37 (hg19) VCF-style: chr2-74177731-C-A.
Other names: c.172C>A, p.Leu58Ile (NM_001318860.2, NM_001318861.2); c.154C>A, p.Leu52Ile (NM_001318862.2, NM_001318863.2); c.443+3698C>A (NM_080918.3); c.425+3716C>A (NM_001318859.2); short protein forms L58I, L155I, L52I.
Identifiers: ClinVar variation 2092159 (VCV002092159.1), dbSNP rs2467049102, ClinGen allele CA347300052.

ClinVar aggregate classification (germline): Uncertain significance (1 of 4 stars; one submission).

Submission:

Labcorp Genetics (formerly Invitae), Labcorp
Classification: Uncertain significance. Last evaluated: 2022-02-18. Review status: criteria provided, single submitter. Criteria: Invitae Variant Classification Sherloc (09022015). Collection method: clinical testing. Allele origin: germline.
Comment: This sequence change replaces leucine, which is neutral and non-polar, with isoleucine, which is neutral and non-polar, at codon 155 of the DGUOK protein (p.Leu155Ile). This variant is not present in population databases (gnomAD no frequency). This variant has not been reported in the literature in individuals affected with DGUOK-related conditions. Algorithms developed to predict the effect of missense changes on protein structure and function are either unavailable or do not agree on the potential impact of this missense change (SIFT: "Tolerated"; PolyPhen-2: "Probably Damaging"; Align-GVGD: "Class C0"). In summary, the available evidence is currently insufficient to determine the role of this variant in disease. Therefore, it has been classified as a Variant of Uncertain Significance.